The following is an entry in ClinVar:

NM_000038.6(APC):c.5576A>G (p.Asn1859Ser)

Gene: APC (APC regulator of Wnt signaling pathway; plus strand). Cytogenetic location: 5q22.2.
Variant type: single nucleotide variant.
Coding change: c.5576A>G on transcript NM_000038.6 (MANE Select); coding-DNA position 5576, A replaced by G.
Protein change: p.Asn1859Ser; replaces asparagine 1859 with serine.
Molecular consequence: missense variant.
Genome position (GRCh38, 1-based): chr5:112,841,170, A>G. VCF-style: chr5-112841170-A-G. GRCh37 (hg19) VCF-style: chr5-112176867-A-G.
Other names: c.5576A>G, p.Asn1859Ser (NM_001127510.3, NM_001354895.2); c.5522A>G, p.Asn1841Ser (NM_001127511.3); c.5630A>G, p.Asn1877Ser (NM_001354896.2); c.5606A>G, p.Asn1869Ser (NM_001354897.2); c.5501A>G, p.Asn1834Ser (NM_001354898.2); c.5492A>G, p.Asn1831Ser (NM_001354899.2); c.5453A>G, p.Asn1818Ser (NM_001354900.2); c.5399A>G, p.Asn1800Ser (NM_001354901.2); and 5 more; short protein forms N1841S, N1859S, N1576S, N1768S, N1831S, N1869S, N1733S, N1758S.
Identifiers: ClinVar variation 229730 (VCV000229730.23), dbSNP rs876658164, ClinGen allele CA10578407.

ClinVar aggregate classification (germline): Uncertain significance. Review status: criteria provided, multiple submitters, no conflicts (2 of 4 stars). 5 submissions from 5 submitters: Uncertain significance (5). Last evaluated 2026-05-12.

Conditions:
Familial adenomatous polyposis 1 (FAP1). Also called: FAMILIAL ADENOMATOUS POLYPOSIS 1, ATTENUATED; POLYPOSIS, ADENOMATOUS INTESTINAL. Identifiers: MedGen C2713442, MONDO:0021056, OMIM 175100. Disease mechanism: loss of function.
Hereditary cancer-predisposing syndrome. Also called: Neoplastic Syndromes, Hereditary; Tumor predisposition; Hereditary Cancer Syndrome; Hereditary neoplastic syndrome. Identifiers: Orphanet 140162, MedGen C0027672, MeSH D009386, MONDO:0015356.

Allele frequency attached by ClinVar (database versions not stated): TOPMed 0.00001; gnomAD 0.00001; gnomAD exomes below 0.00001.
gnomAD v4.1: 6 of 1,613,850 alleles (0.00037%); highest among the groups gnomAD compares: East Asian, 0.0022%; 1 homozygote.

Submissions (5):

Women's Health and Genetics/Laboratory Corporation of America, LabCorp
Classification: Uncertain significance. Last evaluated: 2026-05-12. Review status: criteria provided, single submitter. Criteria: LabCorp Variant Classification Summary - May 2015. Collection method: clinical testing. Allele origin: germline.
Comment: Variant summary: APC c.5576A>G (p.Asn1859Ser) results in a conservative amino acid change in the encoded protein sequence. Algorithms developed to predict the effect of missense changes on protein structure and function are either unavailable or do not agree on the potential impact of this missense change. The variant was absent in 250980 control chromosomes. The available data on variant occurrences in the general population are insufficient to allow any conclusion about variant significance. To our knowledge, no occurrence of c.5576A>G in individuals affected with APC-related conditions and no experimental evidence demonstrating its impact on protein function have been reported. ClinVar contains an entry for this variant (Variation ID: 229730). Based on the evidence outlined above, the variant was classified as uncertain significance.

Labcorp Genetics (formerly Invitae), Labcorp
Classification: Uncertain significance for Familial adenomatous polyposis 1. Last evaluated: 2025-12-13. Review status: criteria provided, single submitter. Criteria: Invitae Variant Classification Sherloc (09022015). Collection method: clinical testing. Allele origin: germline.
Comment: This sequence change replaces asparagine, which is neutral and polar, with serine, which is neutral and polar, at codon 1859 of the APC protein (p.Asn1859Ser). This variant is not present in population databases (gnomAD no frequency). This missense change has been observed in individual(s) with biliary tract cancer (PMID: 36243179). ClinVar contains an entry for this variant (Variation ID: 229730). Invitae Evidence Modeling of protein sequence and biophysical properties (such as structural, functional, and spatial information, amino acid conservation, physicochemical variation, residue mobility, and thermodynamic stability) indicates that this missense variant is not expected to disrupt APC protein function with a negative predictive value of 95%. In summary, the available evidence is currently insufficient to determine the role of this variant in disease. Therefore, it has been classified as a Variant of Uncertain Significance.

Ambry Genetics
Classification: Uncertain significance for Hereditary cancer-predisposing syndrome. Last evaluated: 2025-12-10. Review status: criteria provided, single submitter. Criteria: Ambry Variant Classification Scheme 2023. Collection method: clinical testing. Allele origin: germline.
Comment: The p.N1859S variant (also known as c.5576A>G), located in coding exon 15 of the APC gene, results from an A to G substitution at nucleotide position 5576. The asparagine at codon 1859 is replaced by serine, an amino acid with highly similar properties. This amino acid position is highly conserved in available vertebrate species. In addition, in silico predictors for this gene do not accurately predict pathogenicity. Based on the available evidence, the clinical significance of this variant remains unclear.

Color Diagnostics, LLC DBA Color Health
Classification: Uncertain significance for Hereditary cancer-predisposing syndrome. Last evaluated: 2024-03-06. Review status: criteria provided, single submitter. Criteria: ACMG Guidelines, 2015. Collection method: clinical testing. Allele origin: germline.
Comment: This missense variant replaces asparagine with serine at codon 1859 of the APC protein. Computational prediction suggests that this variant may not impact protein structure and function (internally defined REVEL score threshold <= 0.5, PMID: 27666373). To our knowledge, functional studies have not been reported for this variant. This variant has not been reported in individuals affected with APC-related disorders in the literature. This variant has not been identified in the general population by the Genome Aggregation Database (gnomAD). The available evidence is insufficient to determine the role of this variant in disease conclusively. Therefore, this variant is classified as a Variant of Uncertain Significance.

Mendelics
Classification: Uncertain significance. Last evaluated: 2022-05-04. Review status: criteria provided, single submitter. Criteria: Mendelics Assertion Criteria 2019. Collection method: clinical testing. Allele origin: germline.

Literature cited by the submitters: PubMed 36243179 (cited by Labcorp Genetics (formerly Invitae), Labcorp).